The following is an entry in ClinVar:

ClinVar aggregate classification (germline): Conflicting classifications of pathogenicity. Review status: criteria provided, conflicting classifications (1 of 4 stars). 2 submissions from 2 submitters: Uncertain significance (1); Likely benign (1). Last evaluated 2025-11-24.

Conditions:
Duchenne muscular dystrophy (DMD). Also called: MUSCULAR DYSTROPHY, PSEUDOHYPERTROPHIC PROGRESSIVE, DUCHENNE TYPE; Duchenne Muscular Dystrophy (DMD). Identifiers: Orphanet 98896, MedGen C0013264, MONDO:0010679, OMIM 310200.
Cardiovascular phenotype. Identifiers: MedGen CN230736.

gnomAD v4.1: 1 of 1,211,299 alleles (0.000083%); highest among the groups gnomAD compares: African/African-American, 0.0017%; no homozygotes.

Submissions (2):

Labcorp Genetics (formerly Invitae), Labcorp
Classification: Uncertain significance for Duchenne muscular dystrophy. Last evaluated: 2025-11-24. Review status: criteria provided, single submitter. Criteria: Invitae Variant Classification Sherloc (09022015). Collection method: clinical testing. Allele origin: germline.
Comment: This sequence change replaces proline, which is neutral and non-polar, with alanine, which is neutral and non-polar, at codon 2429 of the DMD protein (p.Pro2429Ala). This variant is not present in population databases (gnomAD no frequency). This variant has not been reported in the literature in individuals affected with DMD-related conditions. ClinVar contains an entry for this variant (Variation ID: 3272387). Invitae Evidence Modeling of protein sequence and biophysical properties (such as structural, functional, and spatial information, amino acid conservation, physicochemical variation, residue mobility, and thermodynamic stability) indicates that this missense variant is not expected to disrupt DMD protein function with a negative predictive value of 95%. In summary, the available evidence is currently insufficient to determine the role of this variant in disease. Therefore, it has been classified as a Variant of Uncertain Significance.

Ambry Genetics
Classification: Likely benign for Cardiovascular phenotype. Last evaluated: 2024-06-21. Review status: criteria provided, single submitter. Criteria: Ambry Variant Classification Scheme 2023. Collection method: clinical testing. Allele origin: germline.

NM_004006.3(DMD):c.7285C>G (p.Pro2429Ala)

Gene: DMD (dystrophin; minus strand). Cytogenetic location: Xp21.1.
Variant type: single nucleotide variant.
Coding change: c.7285C>G on transcript NM_004006.3 (MANE Select); coding-DNA position 7285, C replaced by G.
Protein change: p.Pro2429Ala; replaces proline 2429 with alanine.
Molecular consequence: missense variant. On other transcripts: 5 prime UTR variant (5).
Genome position (GRCh38, 1-based): chrX:31,819,999, G>C on the plus strand (C>G on the coding strand, the complement: DMD is on the minus strand). VCF-style: chrX-31819999-G-C. GRCh37 (hg19) VCF-style: chrX-31838116-G-C.
Other names: c.7261C>G, p.Pro2421Ala (NM_000109.4); c.7273C>G, p.Pro2425Ala (NM_004009.3); c.6916C>G, p.Pro2306Ala (NM_004010.3); c.3262C>G, p.Pro1088Ala (NM_004011.4); c.3253C>G, p.Pro1085Ala (NM_004012.4); c.-96C>G (NM_004013.3, NM_004020.4, NM_004021.3 and 2 more transcripts); short protein forms P1088A, P2306A, P1085A, P2421A, P2425A, P2429A.
Identifiers: ClinVar variation 3272387 (VCV003272387.2).